The following is an entry in ClinVar:

ClinVar aggregate classification (germline): Uncertain significance (1 of 4 stars; one submission).

Allele frequency attached by ClinVar (database versions not stated): gnomAD exomes below 0.00001.
gnomAD v4.1: 6 of 1,613,886 alleles (0.00037%); highest among the groups gnomAD compares: Non-Finnish European, 0.00051%; no homozygotes.

Submission:

GeneDx
Classification: Uncertain significance. Last evaluated: 2021-04-14. Review status: criteria provided, single submitter. Criteria: GeneDx Variant Classification Process June 2021. Collection method: clinical testing. Allele origin: germline. Affected: yes.
Comment: Not observed in large population cohorts (Lek et al., 2016); In silico analysis supports that this missense variant has a deleterious effect on protein structure/function; Has not been previously published as pathogenic or benign to our knowledge

NM_015981.4(CAMK2A):c.13A>C (p.Thr5Pro)

Gene: CAMK2A (calcium/calmodulin dependent protein kinase II alpha; minus strand). Cytogenetic location: 5q32.
Variant type: single nucleotide variant.
Coding change: c.13A>C on transcript NM_015981.4 (MANE Select); coding-DNA position 13, A replaced by C.
Protein change: p.Thr5Pro; replaces threonine 5 with proline.
Molecular consequence: missense variant.
Genome position (GRCh38, 1-based): chr5:150,289,613, T>G on the plus strand (A>C on the coding strand, the complement: CAMK2A is on the minus strand). VCF-style: chr5-150289613-T-G. GRCh37 (hg19) VCF-style: chr5-149669176-T-G.
Other names: c.13A>C, p.Thr5Pro (NM_001363989.1, NM_001363990.1, NM_001369025.2 and 1 more transcripts); short protein forms T5P.
Identifiers: ClinVar variation 1317016 (VCV001317016.2), dbSNP rs1757578151, ClinGen allele CA361723229.
Genomic context (GRCh38, chr5:150,289,613, plus strand): 5'-GCACAACTCACTTGCCCAATTCCTCGAAGAGCTGGTACTCTTCCGTGAAGCGGGTGCAGG[T>G]GATGGTGGCCATCCTGGCGCTGGGCAGGCAGGTGAGGCTTGGGACTGGGGGACCAGGACT-3'
Protein context (NP_057065.2, residues 1-15): MATI[Thr5Pro]CTRFTEEYQL